The following is an entry in ClinVar:

ClinVar aggregate classification (germline): Uncertain significance (1 of 4 stars; one submission).

Conditions:
DIAPH3-related disorder. Also called: DIAPH3-related condition.

Submission:

PreventionGenetics, part of Exact Sciences
Classification: Uncertain significance for DIAPH3-related condition. Last evaluated: 2025-11-24. Review status: criteria provided, single submitter. Criteria: ACMG Guidelines, 2015. Collection method: clinical testing. Allele origin: germline.
Comment: The DIAPH3 c.3028-3_3032delinsGTAATAGCAA variant is predicted to result in a frameshift and premature protein termination (p.Gln1010Valfs*5). This variant overlaps the canonical splice acceptor site and as a result of the overall deletion/insertion is predicted to move the splice site resulting in a frameshift and premature termination (Alamut Visual Plus v1.6.1; SpliceAI, Jaganathan et al. 2019. PubMed ID: 30661751). To our knowledge, this variant has not been reported in the literature or in a large population database (gnomAD), indicating this variant is rare. Although we suspect that this variant may be pathogenic, at this time, the clinical significance of this variant is uncertain due to the absence of conclusive functional and genetic evidence.

NM_001042517.2(DIAPH3):c.3028-3_3032delinsGTAATAGCAA

Gene: DIAPH3 (diaphanous related formin 3; minus strand). Cytogenetic location: 13q21.2.
Variant type: Indel.
Coding change: c.3028-3_3032delinsGTAATAGCAA on transcript NM_001042517.2 (MANE Select); 3 bases into the intron before coding-DNA position 3028 through coding-DNA position 3032, TAGCAAGC replaced by GTAATAGCAA.
Molecular consequence: splice acceptor variant.
Genome position (GRCh38, 1-based): chr13:59,810,919-59,810,926, GCTTGCTA replaced by TTGCTATTAC on the plus strand (TAGCAAGC replaced by GTAATAGCAA on the coding strand, the reverse complement: DIAPH3 is on the minus strand). VCF-style: chr13-59810919-GCTTGCTA-TTGCTATTAC. GRCh37 (hg19) VCF-style: chr13-60385053-GCTTGCTA-TTGCTATTAC.
Other names: c.2818-3_2822delinsGTAATAGCAA (NM_001258368.2); c.2890-3_2894delinsGTAATAGCAA (NM_001258367.2); c.2995-3_2999delinsGTAATAGCAA (NM_001258366.2); c.3028-3_3032delinsGTAATAGCAA (NM_001258369.2); c.2239-3_2243delinsGTAATAGCAA (NM_030932.4).
Identifiers: ClinVar variation 4991835 (VCV004991835.1).